The following is an entry in ClinVar:

NM_172351.3(CD46):c.759G>A (p.Met253Ile)

Gene: CD46 (CD46 molecule; plus strand). Cytogenetic location: 1q32.2.
Variant type: single nucleotide variant.
Coding change: c.759G>A on transcript NM_172351.3 (MANE Select); coding-DNA position 759, G replaced by A.
Protein change: p.Met253Ile; replaces methionine 253 with isoleucine.
Molecular consequence: missense variant.
Genome position (GRCh38, 1-based): chr1:207,767,098, G>A. VCF-style: chr1-207767098-G-A. GRCh37 (hg19) VCF-style: chr1-207940443-G-A.
Other names: c.759G>A, p.Met253Ile (NM_002389.4, NM_153826.4, NM_172350.3 and 8 more transcripts); short protein forms M253I.
Identifiers: ClinVar variation 1393164 (VCV001393164.7), dbSNP rs764916823, ClinGen allele CA1371723.

ClinVar aggregate classification (germline): Uncertain significance. Review status: criteria provided, multiple submitters, no conflicts (2 of 4 stars). 2 submissions from 2 submitters: Uncertain significance (2). Last evaluated 2025-12-27.

Allele frequency attached by ClinVar (database versions not stated): TOPMed below 0.00001; ExAC 0.00001; gnomAD exomes 0.00001.

Submissions (2):

Labcorp Genetics (formerly Invitae), Labcorp
Classification: Uncertain significance. Last evaluated: 2025-12-27. Review status: criteria provided, single submitter. Criteria: Invitae Variant Classification Sherloc (09022015). Collection method: clinical testing. Allele origin: germline.
Comment: This sequence change replaces methionine, which is neutral and non-polar, with isoleucine, which is neutral and non-polar, at codon 253 of the CD46 protein (p.Met253Ile). This variant is present in population databases (rs764916823, gnomAD 0.006%). This variant has not been reported in the literature in individuals affected with CD46-related conditions. ClinVar contains an entry for this variant (Variation ID: 1393164). Invitae Evidence Modeling of protein sequence and biophysical properties (such as structural, functional, and spatial information, amino acid conservation, physicochemical variation, residue mobility, and thermodynamic stability) indicates that this missense variant is not expected to disrupt CD46 protein function with a negative predictive value of 80%. In summary, the available evidence is currently insufficient to determine the role of this variant in disease. Therefore, it has been classified as a Variant of Uncertain Significance.

Ambry Genetics
Classification: Uncertain significance. Last evaluated: 2023-06-29. Review status: criteria provided, single submitter. Criteria: Ambry Variant Classification Scheme 2023. Collection method: clinical testing. Allele origin: germline.